The following is an entry in ClinVar:

NM_001042492.3(NF1):c.4333A>C (p.Ile1445Leu)

Gene: NF1 (neurofibromin 1; plus strand). Cytogenetic location: 17q11.2.
Variant type: single nucleotide variant.
Coding change: c.4333A>C on transcript NM_001042492.3 (MANE Select); coding-DNA position 4333, A replaced by C.
Protein change: p.Ile1445Leu; replaces isoleucine 1445 with leucine.
Molecular consequence: missense variant.
Genome position (GRCh38, 1-based): chr17:31,259,032, A>C. VCF-style: chr17-31259032-A-C. GRCh37 (hg19) VCF-style: chr17-29586050-A-C.
Other names: c.4270A>C, p.Ile1424Leu (NM_000267.4); short protein forms I1445L, I1424L.
Identifiers: ClinVar variation 569472 (VCV000569472.12), dbSNP rs1555618637, ClinGen allele CA398998674.

ClinVar aggregate classification (germline): Conflicting classifications of pathogenicity. Review status: criteria provided, conflicting classifications (1 of 4 stars). 2 submissions from 2 submitters: Uncertain significance (1); Likely benign (1). Last evaluated 2025-10-09.

Conditions:
Neurofibromatosis, type 1 (NF1). Also called: Peripheral type neurofibromatosis; VON RECKLINGHAUSEN DISEASE; Neurofibromatosis, type I; NEUROFIBROMATOSIS, TYPE I, SOMATIC. Identifiers: Orphanet 636, MedGen C0027831, MONDO:0018975, OMIM 162200. Disease mechanism: loss of function.
Cardiovascular phenotype. Identifiers: MedGen CN230736.
Hereditary cancer-predisposing syndrome. Also called: Hereditary neoplastic syndrome; Neoplastic Syndromes, Hereditary; Hereditary Cancer Syndrome; Tumor predisposition. Identifiers: Orphanet 140162, MedGen C0027672, MeSH D009386, MONDO:0015356.

Submissions (2):

Ambry Genetics
Classification: Uncertain significance for Cardiovascular phenotype; Hereditary cancer-predisposing syndrome. Last evaluated: 2025-10-09. Review status: criteria provided, single submitter. Criteria: Ambry Variant Classification Scheme 2023. Collection method: clinical testing. Allele origin: germline.
Comment: The p.I1424L variant (also known as c.4270A>C) is located in coding exon 32 of the NF1 gene. The isoleucine at codon 1424 is replaced by leucine, an amino acid with highly similar properties. This change occurs in the first base pair of coding exon 32. This amino acid position is well conserved in available vertebrate species. In addition, the in silico prediction for this alteration is inconclusive. Since supporting evidence is limited at this time, the clinical significance of this alteration remains unclear.

Labcorp Genetics (formerly Invitae), Labcorp
Classification: Likely benign for Neurofibromatosis, type 1. Last evaluated: 2024-11-30. Review status: criteria provided, single submitter. Criteria: Invitae Variant Classification Sherloc (09022015). Collection method: clinical testing. Allele origin: germline.